The following is an entry in ClinVar:

ClinVar aggregate classification (germline): Likely pathogenic (1 of 4 stars; one submission).

Allele frequency attached by ClinVar (database versions not stated): TOPMed below 0.00001.

Submission:

GeneDx
Classification: Likely pathogenic. Last evaluated: 2023-02-07. Review status: criteria provided, single submitter. Criteria: GeneDx Variant Classification Process June 2021. Collection method: clinical testing. Allele origin: germline. Affected: yes.
Comment: Affects a glycine residue in a Gly-X-Y motif in the triple helical region of the COL4A4 gene, where the majority of pathogenic missense variants occur, and is predicted to disrupt normal protein folding and function (Stenson et al., 2014; Jais et al., 2000); Not observed at significant frequency in large population cohorts (gnomAD); In silico analysis supports that this missense variant has a deleterious effect on protein structure/function; Identified in a patient with aortic dissection in published literature, although additional clinical information was not included (Pan et al., 2020); This variant is associated with the following publications: (PMID: 10752524, 32154576)

NM_000092.5(COL4A4):c.2303G>T (p.Gly768Val)

Gene: COL4A4 (collagen type IV alpha 4 chain; minus strand). Cytogenetic location: 2q36.3.
Variant type: single nucleotide variant.
Coding change: c.2303G>T on transcript NM_000092.5 (MANE Select); coding-DNA position 2303, G replaced by T.
Protein change: p.Gly768Val; replaces glycine 768 with valine.
Molecular consequence: missense variant.
Genome position (GRCh38, 1-based): chr2:227,059,485, C>A on the plus strand (G>T on the coding strand, the complement: COL4A4 is on the minus strand). VCF-style: chr2-227059485-C-A. GRCh37 (hg19) VCF-style: chr2-227924201-C-A.
Other names: short protein forms G768V.
Identifiers: ClinVar variation 2136045 (VCV002136045.2), dbSNP rs1976341608, ClinGen allele CA350841959.